The following is an entry in ClinVar:

NM_002709.3(PPP1CB):c.316C>T (p.Leu106=)

Gene: PPP1CB (protein phosphatase 1 catalytic subunit beta; plus strand). Cytogenetic location: 2p23.2.
Variant type: single nucleotide variant.
Coding change: c.316C>T on transcript NM_002709.3 (MANE Select); coding-DNA position 316, C replaced by T.
Protein change: p.Leu106=; no amino-acid change (leucine 106 retained).
Molecular consequence: synonymous variant.
Genome position (GRCh38, 1-based): chr2:28,778,940, C>T. VCF-style: chr2-28778940-C-T. GRCh37 (hg19) VCF-style: chr2-29001806-C-T.
Other names: c.316C>T, p.Leu106= (NM_206876.2).
Identifiers: ClinVar variation 1596546 (VCV001596546.13), dbSNP rs199571161, ClinGen allele CA1589205.

ClinVar aggregate classification (germline): Likely benign. Review status: criteria provided, multiple submitters, no conflicts (2 of 4 stars). 3 submissions from 3 submitters: Likely benign (2). 1 of the submissions does not count toward it. Last evaluated 2025-12-08.

Conditions:
Cardiovascular phenotype. Identifiers: MedGen CN230736.
PPP1CB-related disorder. Also called: PPP1CB-related condition.

Allele frequency attached by ClinVar (database versions not stated): gnomAD 0.00001 and 0.00003; gnomAD exomes 0.00005 and 0.00009; TOPMed 0.00005; ExAC 0.00007; ESP Exome Variant Server 0.00008; 1000 Genomes Project 30x 0.00016; 1000 Genomes Project 0.00020.

Submissions (3):

Labcorp Genetics (formerly Invitae), Labcorp
Classification: Likely benign. Last evaluated: 2025-12-08. Review status: criteria provided, single submitter. Criteria: Invitae Variant Classification Sherloc (09022015). Collection method: clinical testing. Allele origin: germline.

Ambry Genetics
Classification: Likely benign for Cardiovascular phenotype. Last evaluated: 2022-03-17. Review status: criteria provided, single submitter. Criteria: Ambry Variant Classification Scheme 2023. Collection method: clinical testing. Allele origin: germline.

PreventionGenetics, part of Exact Sciences
Classification: Likely benign for PPP1CB-related condition. Last evaluated: 2019-02-22. Review status: no assertion criteria provided. Collection method: clinical testing. Allele origin: germline. Not counted in ClinVar's aggregate classification.
Comment: This variant is classified as likely benign based on ACMG/AMP sequence variant interpretation guidelines (Richards et al. 2015 PMID: 25741868, with internal and published modifications).